The following is an entry in ClinVar:

NM_020975.6(RET):c.406G>C (p.Glu136Gln)

Gene: RET (ret proto-oncogene; plus strand). Cytogenetic location: 10q11.21.
Variant type: single nucleotide variant.
Coding change: c.406G>C on transcript NM_020975.6 (MANE Select); coding-DNA position 406, G replaced by C.
Protein change: p.Glu136Gln; replaces glutamic acid 136 with glutamine.
Molecular consequence: missense variant. On other transcripts: intron variant (22).
Genome position (GRCh38, 1-based): chr10:43,102,410, G>C. VCF-style: chr10-43102410-G-C. GRCh37 (hg19) VCF-style: chr10-43597858-G-C.
Other names: c.406G>C, p.Glu136Gln (NM_001406743.1, NM_001406744.1, NM_001406759.1 and 14 more transcripts); c.338-61G>C (NM_001406783.1, NM_001406764.1, NM_001406762.1 and 4 more transcripts); c.337+1688G>C (NM_001406770.1, NM_001406766.1, NM_001406767.1 and 8 more transcripts); c.74-6621G>C (NM_001406784.1); c.74-9689G>C (NM_001406794.1, NM_001406792.1, NM_001406793.1); short protein forms E136Q.
Identifiers: ClinVar variation 5028179 (VCV005028179.1).

ClinVar aggregate classification (germline): Uncertain significance (1 of 4 stars; one submission).

Conditions:
Hereditary cancer-predisposing syndrome. Also called: Neoplastic Syndromes, Hereditary; Tumor predisposition; Hereditary neoplastic syndrome; Hereditary Cancer Syndrome. Identifiers: Orphanet 140162, MedGen C0027672, MeSH D009386, MONDO:0015356.

Submission:

Ambry Genetics
Classification: Uncertain significance for Hereditary cancer-predisposing syndrome. Last evaluated: 2026-07-07. Review status: criteria provided, single submitter. Criteria: Ambry Variant Classification Scheme 2023. Collection method: clinical testing. Allele origin: germline.
Comment: The p.E136Q variant (also known as c.406G>C), located in coding exon 3 of the RET gene, results from a G to C substitution at nucleotide position 406. The glutamic acid at codon 136 is replaced by glutamine, an amino acid with highly similar properties. This amino acid position is conserved. In addition, this alteration is predicted to be tolerated by in silico analysis. Based on the available evidence, the clinical significance of this variant remains unclear.